The following is an entry in ClinVar:

NM_000540.3(RYR1):c.12499G>A (p.Glu4167Lys)

Gene: RYR1 (ryanodine receptor 1; plus strand). Cytogenetic location: 19q13.2.
Variant type: single nucleotide variant.
Coding change: c.12499G>A on transcript NM_000540.3 (MANE Select); coding-DNA position 12499, G replaced by A.
Protein change: p.Glu4167Lys; replaces glutamic acid 4167 with lysine.
Molecular consequence: missense variant.
Genome position (GRCh38, 1-based): chr19:38,561,329, G>A. VCF-style: chr19-38561329-G-A. GRCh37 (hg19) VCF-style: chr19-39051969-G-A.
Other names: c.12484G>A, p.Glu4162Lys (NM_001042723.2); short protein forms E4162K, E4167K.
Identifiers: ClinVar variation 1943489 (VCV001943489.8), dbSNP rs772494345, ClinGen allele CA080694.
Genomic context (GRCh38, chr19:38,561,329, plus strand): 5'-ACCAACCTGTCGGAGCATGTGCCGCATGACCCTCGCCTGCACAACTTCCTGGAGCTGGCC[G>A]AGAGCATCCTTGAGTACTTCCGCCCCTACCTGGGCCGCATCGAGATCATGGGCGCGTCAC-3'
Protein context (NP_000531.2, residues 4157-4177): PRLHNFLELA[Glu4167Lys]SILEYFRPYL

ClinVar aggregate classification (germline): Uncertain significance. Review status: criteria provided, multiple submitters, no conflicts (2 of 4 stars). 6 submissions from 6 submitters: Uncertain significance (6). Last evaluated 2025-07-30.

Conditions:
RYR1-related disorder. Also called: RYR1-related condition; RYR1-related disorders. Identifiers: MedGen CN239331.
Malignant hyperthermia, susceptibility to, 1 (MHS1). Also called: Malignant hyperthermia suceptibility 1; Anesthesia related hyperthermia; Malignant hyperpyrexia; Fulminating hyperpyrexia; Pharmacogenic myopathy; RYR1-Related Malignant Hyperthermia Susceptibility. Identifiers: Orphanet 423, MedGen C2930980, MONDO:0007783, OMIM 145600.

Allele frequency attached by ClinVar (database versions not stated): TOPMed 0.00004.
gnomAD v4.1: 2 of 1,614,032 alleles (0.00012%); highest among the groups gnomAD compares: Non-Finnish European, 0.00017%; no homozygotes.

Submissions (6):

Labcorp Genetics (formerly Invitae), Labcorp
Classification: Uncertain significance for RYR1-related disorder. Last evaluated: 2025-07-30. Review status: criteria provided, single submitter. Criteria: Invitae Variant Classification Sherloc (09022015). Collection method: clinical testing. Allele origin: germline.
Comment: This sequence change replaces glutamic acid, which is acidic and polar, with lysine, which is basic and polar, at codon 4167 of the RYR1 protein (p.Glu4167Lys). This variant is not present in population databases (gnomAD no frequency). This variant has not been reported in the literature in individuals affected with RYR1-related conditions. ClinVar contains an entry for this variant (Variation ID: 1943489). Invitae Evidence Modeling of protein sequence and biophysical properties (such as structural, functional, and spatial information, amino acid conservation, physicochemical variation, residue mobility, and thermodynamic stability) indicates that this missense variant is not expected to disrupt RYR1 protein function with a negative predictive value of 80%. In summary, the available evidence is currently insufficient to determine the role of this variant in disease. Therefore, it has been classified as a Variant of Uncertain Significance.

Revvity Omics, Revvity
Classification: Uncertain significance. Last evaluated: 2024-12-10. Review status: criteria provided, single submitter. Criteria: ACMG Guidelines, 2015. Collection method: clinical testing. Allele origin: germline.

Women's Health and Genetics/Laboratory Corporation of America, LabCorp
Classification: Uncertain significance. Last evaluated: 2024-06-11. Review status: criteria provided, single submitter. Criteria: LabCorp Variant Classification Summary - May 2015. Collection method: clinical testing. Allele origin: germline.
Comment: Variant summary: RYR1 c.12499G>A (p.Glu4167Lys) results in a conservative amino acid change in the encoded protein sequence. Three of five in-silico tools predict a benign effect of the variant on protein function. The variant was absent in 251120 control chromosomes. The available data on variant occurrences in the general population are insufficient to allow any conclusion about variant significance. To our knowledge, no occurrence of c.12499G>A in individuals affected with RYR1-related conditions and no experimental evidence demonstrating its impact on protein function have been reported. ClinVar contains an entry for this variant (Variation ID: 1943489). Based on the evidence outlined above, the variant was classified as uncertain significance.

All of Us Research Program, National Institutes of Health
Classification: Uncertain significance for Malignant hyperthermia, susceptibility to, 1. Last evaluated: 2024-05-14. Review status: criteria provided, single submitter. Criteria: ACMG Guidelines, 2015. Collection method: clinical testing. Allele origin: germline. Inheritance: Autosomal dominant inheritance. Observed: 7 variant alleles, 7 heterozygotes.
Comment: This missense variant replaces glutamic acid with lysine at codon 4167 of the RYR1 protein. Computational prediction is inconclusive regarding the impact of this variant on protein structure and function (internally defined REVEL score threshold 0.5 < inconclusive < 0.7, PMID: 27666373). To our knowledge, functional studies have not been reported for this variant. This variant has not been reported in individuals affected with RYR1-related disorders in the literature. This variant has not been identified in the general population by the Genome Aggregation Database (gnomAD). The available evidence is insufficient to determine the role of this variant in disease conclusively. Therefore, this variant is classified as a Variant of Uncertain Significance.

This study involves interpretation of variants in research participants for the purpose of population health screening. Participant phenotype was not available at the time of variant classification. Additional details can be found in publication PMID: 35346344, PMCID: PMC8962531

GeneDx
Classification: Uncertain significance. Last evaluated: 2023-07-23. Review status: criteria provided, single submitter. Criteria: GeneDx Variant Classification Process June 2021. Collection method: clinical testing. Allele origin: germline. Affected: yes.
Comment: Not observed at significant frequency in large population cohorts (gnomAD); In silico analysis supports that this missense variant has a deleterious effect on protein structure/function; Has not been previously published as pathogenic or benign to our knowledge

Laboratory for Molecular Medicine, Mass General Brigham Personalized Medicine
Classification: Uncertain significance. Last evaluated: 2022-04-06. Review status: criteria provided, single submitter. Criteria: ACMG Guidelines, 2015. Collection method: clinical testing. Allele origin: germline.
Comment: The p.Glu4167Lys variant in RYR1 has not been previously reported in individuals with RYR1-associated conditions and was absent from large population studies. Computational prediction tools and conservation analyses do not provide strong support for or against an impact to the protein. In summary, the clinical significance of this variant is uncertain. ACMG/AMP Criteria applied: PM2_Supporting.